The following is an entry in ClinVar:

NM_000081.4(LYST):c.116T>A (p.Met39Lys)

Gene: LYST (lysosomal trafficking regulator; minus strand). Cytogenetic location: 1q42.3.
Variant type: single nucleotide variant.
Coding change: c.116T>A on transcript NM_000081.4 (MANE Select); coding-DNA position 116, T replaced by A.
Protein change: p.Met39Lys; replaces methionine 39 with lysine.
Molecular consequence: missense variant. On other transcripts: non-coding transcript variant (1).
Genome position (GRCh38, 1-based): chr1:235,830,302, A>T on the plus strand (T>A on the coding strand, the complement: LYST is on the minus strand). VCF-style: chr1-235830302-A-T. GRCh37 (hg19) VCF-style: chr1-235993602-A-T.
Other names: c.116T>A, p.Met39Lys (NM_001301365.1); c.116T>A (NM_000081.2); short protein forms M39K.
Identifiers: ClinVar variation 2032081 (VCV002032081.3), dbSNP rs1364323740, ClinGen allele CA344968957.

ClinVar aggregate classification (germline): Uncertain significance. Review status: criteria provided, multiple submitters, no conflicts (2 of 4 stars). 3 submissions from 3 submitters: Uncertain significance (2). 1 of the submissions does not count toward it. Last evaluated 2025-04-06.

Conditions:
Chédiak-Higashi syndrome (CHS). Also called: Chediak-Higashi Syndrome. Identifiers: Orphanet 167, MedGen C0007965, MONDO:0008963, OMIM 214500.
Inborn genetic diseases. Identifiers: MedGen C0950123, MeSH D030342.
Meniere disease. Also called: Ménière's disease. Identifiers: MedGen C0025281, MONDO:0007972, OMIM 156000.

Allele frequency attached by ClinVar (database versions not stated): TOPMed 0.00001; gnomAD 0.00001; gnomAD exomes 0.00001.
gnomAD v4.1: 15 of 1,613,996 alleles (0.00093%); highest among the groups gnomAD compares: Admixed American, 0.0017%; no homozygotes.

Submissions (3):

Ambry Genetics
Classification: Uncertain significance for Inborn genetic diseases. Last evaluated: 2025-04-06. Review status: criteria provided, single submitter. Criteria: Ambry Variant Classification Scheme 2023. Collection method: clinical testing. Allele origin: germline.

Labcorp Genetics (formerly Invitae), Labcorp
Classification: Uncertain significance for Chédiak-Higashi syndrome. Last evaluated: 2022-05-08. Review status: criteria provided, single submitter. Criteria: Invitae Variant Classification Sherloc (09022015). Collection method: clinical testing. Allele origin: germline.
Comment: This sequence change replaces methionine, which is neutral and non-polar, with lysine, which is basic and polar, at codon 39 of the LYST protein (p.Met39Lys). This variant is present in population databases (no rsID available, gnomAD 0.1%). This variant has not been reported in the literature in individuals affected with LYST-related conditions. Algorithms developed to predict the effect of missense changes on protein structure and function are either unavailable or do not agree on the potential impact of this missense change (SIFT: "Tolerated"; PolyPhen-2: "Probably Damaging"; Align-GVGD: "Class C0"). In summary, the available evidence is currently insufficient to determine the role of this variant in disease. Therefore, it has been classified as a Variant of Uncertain Significance.

Center for Computational Biology & Bioinformatics, University of California, San Diego
Classification: Uncertain significance for Meniere disease. Last evaluated: 2024-06-03. Review status: no assertion criteria provided. Collection method: research. Allele origin: germline. Affected: yes. Not counted in ClinVar's aggregate classification.